The following is an entry in ClinVar:

NM_032444.4(SLX4):c.5153+6C>T

Gene: SLX4 (SLX4 structure-specific endonuclease subunit; minus strand). Cytogenetic location: 16p13.3.
Variant type: single nucleotide variant.
Coding change: c.5153+6C>T on transcript NM_032444.4 (MANE Select); 6 bases into the intron after coding-DNA position 5153, C replaced by T.
Molecular consequence: intron variant.
Genome position (GRCh38, 1-based): chr16:3,583,091, G>A on the plus strand (C>T on the coding strand, the complement: SLX4 is on the minus strand). VCF-style: chr16-3583091-G-A. GRCh37 (hg19) VCF-style: chr16-3633092-G-A.
Identifiers: ClinVar variation 1009142 (VCV001009142.5), dbSNP rs754209356, ClinGen allele CA7865418.

ClinVar aggregate classification (germline): Uncertain significance (1 of 4 stars; one submission).

Conditions:
Fanconi anemia (FA). Also called: Fanconi's anemia. Identifiers: Orphanet 84, MedGen C0015625, MeSH D005199, MONDO:0019391.

Allele frequency attached by ClinVar (database versions not stated): TOPMed 0.00006.
gnomAD v4.1: 30 of 1,614,110 alleles (0.0019%); highest among the groups gnomAD compares: Admixed American, 0.0083%; no homozygotes.

Submission:

Labcorp Genetics (formerly Invitae), Labcorp
Classification: Uncertain significance for Fanconi anemia. Last evaluated: 2025-05-07. Review status: criteria provided, single submitter. Criteria: Invitae Variant Classification Sherloc (09022015). Collection method: clinical testing. Allele origin: germline.
Comment: This sequence change falls in intron 14 of the SLX4 gene. It does not directly change the encoded amino acid sequence of the SLX4 protein. It affects a nucleotide within the consensus splice site. This variant is present in population databases (rs754209356, gnomAD 0.02%). This variant has not been reported in the literature in individuals affected with SLX4-related conditions. ClinVar contains an entry for this variant (Variation ID: 1009142). Variants that disrupt the consensus splice site are a relatively common cause of aberrant splicing (PMID: 17576681, 9536098). Algorithms developed to predict the effect of sequence changes on RNA splicing suggest that this variant is not likely to affect RNA splicing. In summary, the available evidence is currently insufficient to determine the role of this variant in disease. Therefore, it has been classified as a Variant of Uncertain Significance.

Literature cited by the submitters: PubMed 17576681; PubMed 9536098.